The following is an entry in ClinVar:

NM_004656.4(BAP1):c.288G>A (p.Leu96=)

Gene: BAP1 (BRCA1 associated deubiquitinase 1; minus strand). Cytogenetic location: 3p21.1.
Variant type: single nucleotide variant.
Coding change: c.288G>A on transcript NM_004656.4 (MANE Select); coding-DNA position 288, G replaced by A.
Protein change: p.Leu96=; no amino-acid change (leucine 96 retained).
Molecular consequence: synonymous variant.
Genome position (GRCh38, 1-based): chr3:52,408,045, C>T on the plus strand (G>A on the coding strand, the complement: BAP1 is on the minus strand). VCF-style: chr3-52408045-C-T. GRCh37 (hg19) VCF-style: chr3-52442061-C-T.
Other names: c.288G>A (LRG_529t1).
Identifiers: ClinVar variation 240057 (VCV000240057.51), dbSNP rs117382883, ClinGen allele CA2437130.

ClinVar aggregate classification (germline): Benign/Likely benign. Review status: criteria provided, multiple submitters, no conflicts (2 of 4 stars). 12 submissions from 12 submitters: Benign (10); Likely benign (2). Last evaluated 2026-02-03.

Conditions:
Melanoma, uveal, susceptibility to, 2 (UVM2). Also called: Melanoma, uveal 2. Identifiers: Orphanet 39044, MedGen C1847723, MONDO:0011696, OMIM 606661.
Hereditary cancer-predisposing syndrome. Also called: Tumor predisposition; Hereditary Cancer Syndrome; Neoplastic Syndromes, Hereditary; Hereditary neoplastic syndrome. Identifiers: Orphanet 140162, MedGen C0027672, MeSH D009386, MONDO:0015356.
BAP1-related tumor predisposition syndrome (TPDS1). Also called: BAP1 tumor predisposition syndrome; Tumor susceptibility linked to germline BAP1 mutations; COMMON Syndrome; TUMOR PREDISPOSITION SYNDROME 1. Identifiers: Orphanet 289539, MedGen C3280492, MONDO:0013692, OMIM 614327.

Allele frequency attached by ClinVar (database versions not stated): gnomAD exomes 0.00033 and 0.00114; gnomAD 0.00037 and 0.00060; TOPMed 0.00084; ExAC 0.00137; 1000 Genomes Project 30x 0.00328; 1000 Genomes Project 0.00359.
gnomAD v4.1: 589 of 1,612,360 alleles (0.037%); highest among the groups gnomAD compares: East Asian, 1%; 7 homozygotes.

Submissions (12):

Labcorp Genetics (formerly Invitae), Labcorp
Classification: Benign for BAP1-related tumor predisposition syndrome. Last evaluated: 2026-02-03. Review status: criteria provided, single submitter. Criteria: Invitae Variant Classification Sherloc (09022015). Collection method: clinical testing. Allele origin: germline.

ARUP Laboratories, Molecular Genetics and Genomics, ARUP Laboratories
Classification: Benign. Last evaluated: 2025-05-02. Review status: criteria provided, single submitter. Criteria: ARUP Molecular Germline Variant Investigation Process 2024. Collection method: clinical testing. Allele origin: germline.

CeGaT Center for Human Genetics Tuebingen
Classification: Likely benign. Last evaluated: 2025-05-01. Review status: criteria provided, single submitter. Criteria: CeGaT Center For Human Genetics Tuebingen Variant Classification Criteria Version 2. Collection method: clinical testing. Allele origin: germline. Affected: yes. Observed: 2 variant alleles.
Comment: BAP1: BP4, BS1

Center for Genomic Medicine, Rigshospitalet, Copenhagen University Hospital
Classification: Likely benign. Last evaluated: 2025-03-04. Review status: criteria provided, single submitter. Criteria: ACMG Guidelines, 2015. Collection method: clinical testing. Allele origin: germline.

Myriad Genetics, Inc.
Classification: Benign for BAP1-related tumor predisposition syndrome. Last evaluated: 2024-07-11. Review status: criteria provided, single submitter. Criteria: Myriad Autosomal Dominant, Autosomal Recessive and X-Linked Classification Criteria (2023). Collection method: clinical testing. Allele origin: unknown.
Comment: This variant is considered benign. This variant is a silent/synonymous amino acid change and it is not expected to impact splicing.

KCCC/NGS Laboratory, Kuwait Cancer Control Center
Classification: Benign for Melanoma, uveal, susceptibility to, 2. Last evaluated: 2023-07-07. Review status: criteria provided, single submitter. Criteria: ACMG Guidelines, 2015. Collection method: clinical testing. Allele origin: germline. Affected: yes.

Quest Diagnostics Nichols Institute San Juan Capistrano
Classification: Benign. Last evaluated: 2021-07-02. Review status: criteria provided, single submitter. Criteria: Quest Diagnostics criteria. Collection method: clinical testing. Allele origin: unknown.

Genetic Services Laboratory, University of Chicago
Classification: Benign. Last evaluated: 2019-02-22. Review status: criteria provided, single submitter. Criteria: ACMG Guidelines, 2015. Collection method: clinical testing. Allele origin: germline. Affected: no.

GeneDx
Classification: Benign. Last evaluated: 2018-07-18. Review status: criteria provided, single submitter. Criteria: GeneDx Variant Classification Process June 2021. Collection method: clinical testing. Allele origin: germline. Affected: yes.

Illumina Laboratory Services, Illumina
Classification: Benign for BAP1-related tumor predisposition syndrome. Last evaluated: 2018-01-12. Review status: criteria provided, single submitter. Criteria: ICSL Variant Classification Criteria 13 December 2019. Collection method: clinical testing. Allele origin: germline.
Comment: This variant was observed in the ICSL laboratory as part of a predisposition screen in an ostensibly healthy population. It had not been previously curated by ICSL or reported in the Human Gene Mutation Database (HGMD: prior to June 1st, 2018), and was therefore a candidate for classification through an automated scoring system. Utilizing variant allele frequency, disease prevalence and penetrance estimates, and inheritance mode, an automated score was calculated to assess if this variant is too frequent to cause the disease. Based on the score and internal cut-off values, a variant classified as benign is not then subjected to further curation. The score for this variant resulted in a classification of benign for this disease.

Color Diagnostics, LLC DBA Color Health
Classification: Benign for Hereditary cancer-predisposing syndrome. Last evaluated: 2016-03-18. Review status: criteria provided, single submitter. Criteria: ACMG Guidelines, 2015. Collection method: clinical testing. Allele origin: germline.

Ambry Genetics
Classification: Benign for Hereditary cancer-predisposing syndrome. Last evaluated: 2015-12-07. Review status: criteria provided, single submitter. Criteria: Ambry Variant Classification Scheme 2023. Collection method: clinical testing. Allele origin: germline.